The following is an entry in ClinVar:

ClinVar aggregate classification (germline): Uncertain significance (1 of 4 stars; one submission).

Conditions:
Cohen syndrome (COH1). Also called: PEPPER SYNDROME; Cutis verticis gyrata, retinitis pigmentosa, and sensorineural deafness. Identifiers: Orphanet 193, MedGen C0265223, MONDO:0008999, OMIM 216550.

Submission:

Labcorp Genetics (formerly Invitae), Labcorp
Classification: Uncertain significance for Cohen syndrome. Last evaluated: 2023-03-20. Review status: criteria provided, single submitter. Criteria: Invitae Variant Classification Sherloc (09022015). Collection method: clinical testing. Allele origin: germline.
Comment: This sequence change affects codon 1346 of the VPS13B mRNA. It is a 'silent' change, meaning that it does not change the encoded amino acid sequence of the VPS13B protein. This variant is not present in population databases (gnomAD no frequency). This variant has not been reported in the literature in individuals affected with VPS13B-related conditions. Algorithms developed to predict the effect of sequence changes on RNA splicing suggest that this variant may create or strengthen a splice site. In summary, the available evidence is currently insufficient to determine the role of this variant in disease. Therefore, it has been classified as a Variant of Uncertain Significance.

NM_152564.5(VPS13B):c.4038C>T (p.Gly1346=)

Gene: VPS13B (vacuolar protein sorting 13 homolog B; plus strand). Cytogenetic location: 8q22.2.
Variant type: single nucleotide variant.
Coding change: c.4038C>T on transcript NM_152564.5 (MANE Select); coding-DNA position 4038, C replaced by T.
Protein change: p.Gly1346=; no amino-acid change (glycine 1346 retained).
Molecular consequence: synonymous variant.
Genome position (GRCh38, 1-based): chr8:99,501,854, C>T. VCF-style: chr8-99501854-C-T. GRCh37 (hg19) VCF-style: chr8-100514082-C-T.
Other names: c.4038C>T, p.Gly1346= (NM_017890.5).
Identifiers: ClinVar variation 2795289 (VCV002795289.3), dbSNP rs1821248178, ClinGen allele CA462436695.